The following is an entry in ClinVar:

NM_000218.3(KCNQ1):c.1394-36234G>A

Genes: KCNQ1 (potassium voltage-gated channel subfamily Q member 1; plus strand), KCNQ1OT1 (KCNQ1 opposite strand/antisense transcript 1; minus strand). Cytogenetic location: 11p15.5.
Variant type: single nucleotide variant.
Coding change: c.1394-36234G>A on transcript NM_000218.3 (MANE Select); 36234 bases into the intron before coding-DNA position 1394, G replaced by A.
Molecular consequence: intron variant. On other transcripts: non-coding transcript variant (1).
Genome position (GRCh38, 1-based): chr11:2,625,727, G>A. VCF-style: chr11-2625727-G-A. GRCh37 (hg19) VCF-style: chr11-2646957-G-A.
Other names: c.1124-36234G>A (NM_001406837.1); c.1298-36234G>A (NM_001406836.1); c.854-36234G>A (NM_001406838.1); c.1013-36234G>A (NM_181798.2).
Identifiers: ClinVar variation 4084865 (VCV004084865.8).
Genomic context (GRCh38, chr11:2,625,727, plus strand): 5'-CTGGGTTCACATCATTCTCCTGCCTCCCGAGTAGCTGGGACTACAGGCGCCCACCACCAC[G>A]CCTGGCTAATTTTTTGTATTTTTAGTAGAGACGGGGTTTCACCCTGTTAGCCAGGATGGT-3'

ClinVar aggregate classification (germline): Benign (1 of 4 stars; one submission).

gnomAD v4.1: 582 of 397,236 alleles (0.15%); highest among the groups gnomAD compares: African/African-American, 1%; 3 homozygotes.

Submission:

CeGaT Center for Human Genetics Tuebingen
Classification: Benign. Last evaluated: 2026-06-01. Review status: criteria provided, single submitter. Criteria: CeGaT Center For Human Genetics Tuebingen Variant Classification Criteria Version 2. Collection method: clinical testing. Allele origin: germline. Affected: yes. Observed: 4 variant alleles.
Comment: KCNQ1OT1: BS1, BS2